The following is an entry in ClinVar:

NM_000257.4(MYH7):c.1849C>T (p.Leu617Phe)

Gene: MYH7 (myosin heavy chain 7; minus strand). Cytogenetic location: 14q11.2.
Variant type: single nucleotide variant.
Coding change: c.1849C>T on transcript NM_000257.4 (MANE Select); coding-DNA position 1849, C replaced by T.
Protein change: p.Leu617Phe; replaces leucine 617 with phenylalanine.
Molecular consequence: missense variant.
Genome position (GRCh38, 1-based): chr14:23,427,624, G>A on the plus strand (C>T on the coding strand, the complement: MYH7 is on the minus strand). VCF-style: chr14-23427624-G-A. GRCh37 (hg19) VCF-style: chr14-23896833-G-A.
Other names: p.L617F:CTC>TTC; c.1849C>T (LRG_384t1, NM_000257.3); short protein forms L617F.
Identifiers: ClinVar variation 181356 (VCV000181356.6), dbSNP rs730880882, ClinGen allele CA011337.

ClinVar aggregate classification (germline): Uncertain significance. Review status: criteria provided, multiple submitters, no conflicts (2 of 4 stars). 4 submissions from 4 submitters: Uncertain significance (4). Last evaluated 2026-02-10.

Conditions:
MYH7-related disorder. Also called: MYH7-related condition; MYH7-related disease; MYH7-related disorders.
Cardiomyopathy (CMYO). Also called: Cardiomyopathies. Identifiers: Orphanet 167848, MedGen C0878544, MONDO:0004994, HP:0001638. Inheritance: Various modes of inheritance.
Hypertrophic cardiomyopathy. Also called: HYPERTROPHIC MYOCARDIOPATHY. Identifiers: Orphanet 217569, MedGen C0007194, MeSH D002312, MONDO:0005045, HP:0001639.

Submissions (4):

GeneDx
Classification: Uncertain significance. Last evaluated: 2026-02-10. Review status: criteria provided, single submitter. Criteria: GeneDx Variant Classification Process June 2021. Collection method: clinical testing. Allele origin: germline. Affected: yes.
Comment: Not observed at significant frequency in large population cohorts (gnomAD); In silico analysis supports that this missense variant has a deleterious effect on protein structure/function; Has not been previously published as pathogenic or benign to our knowledge; This variant is associated with the following publications: (PMID: 27532257, 29300372)

PreventionGenetics, part of Exact Sciences
Classification: Uncertain significance for MYH7-related condition. Last evaluated: 2025-12-19. Review status: criteria provided, single submitter. Criteria: ACMG Guidelines, 2015. Collection method: clinical testing. Allele origin: germline.
Comment: The MYH7 c.1849C>T variant is predicted to result in the amino acid substitution p.Leu617Phe. To our knowledge, this variant has not been reported in the literature or in a large population database (gnomAD), indicating this variant is rare. At this time, the clinical significance of this variant is uncertain due to the absence of conclusive functional and genetic evidence.

Color Diagnostics, LLC DBA Color Health
Classification: Uncertain significance for Cardiomyopathy. Last evaluated: 2025-09-11. Review status: criteria provided, single submitter. Criteria: ACMG Guidelines, 2015. Collection method: clinical testing. Allele origin: germline.
Comment: This missense variant replaces leucine with phenylalanine at codon 617 of the MYH7 protein. This variant is found within a highly conserved region of the myosin head domain. Missense variants in this region have been shown to be significantly overrepresented in individuals with hypertrophic cardiomyopathy (PMID: 27532257). Computational prediction suggests that this variant may have deleterious impact on protein structure and function. To our knowledge, functional studies have not been reported for this variant. This variant has not been reported in individuals affected with MYH7-related disorders in the literature. This variant has not been identified in the general population by the Genome Aggregation Database (gnomAD). The available evidence is insufficient to determine the role of this variant in disease conclusively. Therefore, this variant is classified as a Variant of Uncertain Significance.

Labcorp Genetics (formerly Invitae), Labcorp
Classification: Uncertain significance for Hypertrophic cardiomyopathy. Last evaluated: 2024-07-25. Review status: criteria provided, single submitter. Criteria: Invitae Variant Classification Sherloc (09022015). Collection method: clinical testing. Allele origin: germline.
Comment: This sequence change replaces leucine, which is neutral and non-polar, with phenylalanine, which is neutral and non-polar, at codon 617 of the MYH7 protein (p.Leu617Phe). This variant is not present in population databases (gnomAD no frequency). This variant has not been reported in the literature in individuals affected with MYH7-related conditions. ClinVar contains an entry for this variant (Variation ID: 181356). Advanced modeling of protein sequence and biophysical properties (such as structural, functional, and spatial information, amino acid conservation, physicochemical variation, residue mobility, and thermodynamic stability) performed at Invitae indicates that this missense variant is expected to disrupt MYH7 protein function with a positive predictive value of 95%. In summary, the available evidence is currently insufficient to determine the role of this variant in disease. Therefore, it has been classified as a Variant of Uncertain Significance.

Literature cited by the submitters: PubMed 27532257 (cited by Color Diagnostics, LLC DBA Color Health).